The following is an entry in ClinVar:

ClinVar aggregate classification (germline): Likely pathogenic (1 of 4 stars; one submission).

gnomAD v4.1: 6 of 1,190,251 alleles (0.0005%); highest among the groups gnomAD compares: African/African-American, 0.0035%; no homozygotes.

Submission:

GeneDx
Classification: Likely pathogenic. Last evaluated: 2024-03-20. Review status: criteria provided, single submitter. Criteria: GeneDx Variant Classification Process June 2021. Collection method: clinical testing. Allele origin: germline. Affected: yes.
Comment: Canonical splice site variant predicted to result in a null allele in a gene for which loss of function is a known mechanism of disease; Not observed at significant frequency in large population cohorts (gnomAD); This variant is associated with the following publications: (PMID: 34671977)

NM_001379110.1(SLC9A6):c.886-1C>T

Gene: SLC9A6 (solute carrier family 9 member A6; plus strand). Cytogenetic location: Xq26.3.
Variant type: single nucleotide variant.
Coding change: c.886-1C>T on transcript NM_001379110.1 (MANE Select); the canonical splice acceptor site of the intron before coding-DNA position 886, C replaced by T.
Molecular consequence: splice acceptor variant.
Genome position (GRCh38, 1-based): chrX:136,012,948, C>T. VCF-style: chrX-136012948-C-T. GRCh37 (hg19) VCF-style: chrX-135095107-C-T.
Other names: c.886-1C>T (NM_001400909.1, NM_001400910.1, NM_001400911.1 and 2 more transcripts); c.1042-1C>T (NM_001042537.2); c.946-1C>T (NM_006359.3); c.790-1C>T (NM_001400913.1, NM_001330652.2).
Identifiers: ClinVar variation 3371115 (VCV003371115.1).
Genomic context (GRCh38, chrX:136,012,948, plus strand): 5'-TTATTTTTTCTAGTCACACTTTTGTGTTACAAGATCTCATTACTAGCCTTAACAGTCTTA[C>T]GTGACAAAGTTCACCAAATTACGGGAGTTCCAGTTGTTGGAGACAGGCCTGTTCTTCTTG-3'